The following is an entry in ClinVar:

NM_001130987.2(DYSF):c.3540_3541del (p.Asp1181fs)

Gene: DYSF (dysferlin; plus strand). Cytogenetic location: 2p13.2.
Variant type: Deletion.
Coding change: c.3540_3541del on transcript NM_001130987.2 (MANE Select); coding-DNA positions 3540 to 3541, 2 bases deleted (GG; older notation c.3540_3541delGG).
Protein change: p.Asp1181fs; shifts the reading frame from aspartic acid 1181.
Molecular consequence: frameshift variant.
Genome position (GRCh38, 1-based): chr2:71,590,254-71,590,255, GG deleted; deleting any 2 consecutive bases within chr2:71,590,253-71,590,255 gives the same sequence; the c. name uses the placement nearest the transcript's 3' end. VCF-style (leftmost placement, unchanged base first): chr2-71590252-CGG-C. GRCh37 (hg19) VCF-style: chr2-71817382-CGG-C.
Other names: NM_003494.4:c.3486_3487del; c.3489_3490del, p.Asp1164fs (NM_001130455.2, NM_001130983.2); c.3444_3445del, p.Asp1149fs (NM_001130976.2, NM_001130977.2); c.3447_3448del, p.Asp1150fs (NM_001130986.2, NM_001130984.2); c.3486_3487del, p.Asp1163fs (NM_003494.4, NM_001130978.2); c.3579_3580del, p.Asp1194fs (NM_001130979.2); c.3537_3538del, p.Asp1180fs (NM_001130980.2, NM_001130981.2); c.3582_3583del, p.Asp1195fs (NM_001130982.2); and 1 more; short protein forms D1163fs, D1164fs, D1195fs, D1149fs, D1181fs, D1194fs, D1150fs, D1180fs.
Identifiers: ClinVar variation 1448363 (VCV001448363.7), dbSNP rs2152843443, ClinGen allele CA2573135865.

ClinVar aggregate classification (germline): Pathogenic. Review status: reviewed by expert panel (3 of 4 stars). 2 submissions from 2 submitters: Pathogenic (1). 1 of the submissions does not count toward it. Last evaluated 2026-04-01.

Conditions:
Autosomal recessive limb-girdle muscular dystrophy. Identifiers: Orphanet 102015, MedGen C2931907, MONDO:0015152.
Neuromuscular disease caused by qualitative or quantitative defects of dysferlin. Also called: Qualitative or quantitative defects of dysferlin; Dysferlinopathy. Identifiers: Orphanet 207073, MedGen C2931687, MONDO:0016145.

Submissions (2):

ClinGen Limb Girdle Muscular Dystrophy Variant Curation Expert Panel, ClinGen
Classification: Pathogenic for Autosomal recessive limb-girdle muscular dystrophy. Last evaluated: 2026-04-01. Review status: reviewed by expert panel. Criteria: ClinGen LGMD VCEP ACMG Specifications DYSF V2.0.0. Collection method: curation. Allele origin: germline. Inheritance: Autosomal recessive inheritance.
Comment: The NM_003494.4: c.3486_3487del p.(Asp1163ProfsTer11) variant in DYSF, which is also known as NM_001130987.2: c.3540_3541del p.(Asp1181ProfsTer11) is a frameshift variant predicted to introduce a premature termination codon in exon 32/55, with nonsense-mediated decay expected (PVS1). This variant has been identified in one individual with LGMD, where it was reported in unconfirmed phase with a VUS (NM_003494.4: c.3071C>T p.(Pro1024Leu) (PMID: 31268554) (PM3_Supporting not met, PP4). This variant is absent from gnomAD v.4.1.0, meeting the criteria for PM2_Supporting. In summary, this variant meets the criteria to be classified as Pathogenic for autosomal recessive limb girdle muscular dystrophy based on the ACMG/AMP criteria applied, as specified by the ClinGen LGMD VCEP (LGMD VCEP specifications version 2.0.0; 04/01/2026): PVS1, PP4, PM2_Supporting.

Labcorp Genetics (formerly Invitae), Labcorp
Classification: Pathogenic for Neuromuscular disease caused by qualitative or quantitative defects of dysferlin. Last evaluated: 2025-12-17. Review status: criteria provided, single submitter. Criteria: Invitae Variant Classification Sherloc (09022015). Collection method: clinical testing. Allele origin: germline. Not counted in ClinVar's aggregate classification.
Comment: This sequence change creates a premature translational stop signal (p.Asp1163Profs*11) in the DYSF gene. It is expected to result in an absent or disrupted protein product. Loss-of-function variants in DYSF are known to be pathogenic (PMID: 17698709, 20301480). This variant is not present in population databases (gnomAD no frequency). This premature translational stop signal has been observed in individual(s) with clinical features of limb-girdle muscular dystrophy (PMID: 31268554). ClinVar contains an entry for this variant (Variation ID: 1448363). For these reasons, this variant has been classified as Pathogenic.

Literature cited by the submitters: PubMed 17698709 (cited by Labcorp Genetics (formerly Invitae), Labcorp); PubMed 20301480 (cited by Labcorp Genetics (formerly Invitae), Labcorp); PubMed 31268554 (cited by Labcorp Genetics (formerly Invitae), Labcorp).